The following is an entry in ClinVar:

NM_130837.3(OPA1):c.2179-7A>G

Gene: OPA1 (OPA1 mitochondrial dynamin like GTPase; plus strand). Cytogenetic location: 3q29.
Variant type: single nucleotide variant.
Coding change: c.2179-7A>G on transcript NM_130837.3 (MANE Select); 7 bases into the intron before coding-DNA position 2179, A replaced by G.
Molecular consequence: intron variant.
Genome position (GRCh38, 1-based): chr3:193,657,073, A>G. VCF-style: chr3-193657073-A-G. GRCh37 (hg19) VCF-style: chr3-193374862-A-G.
Other names: c.1642-7A>G (NM_001354664.2); c.1645-7A>G (NM_001354663.2); c.2068-7A>G (NM_130834.3); c.2125-7A>G (NM_130836.3); c.2014-7A>G (NM_015560.3); c.2071-7A>G (NM_130835.3); c.1960-7A>G (NM_130832.3); c.2017-7A>G (NM_130833.3); and 1 more.
Identifiers: ClinVar variation 1461516 (VCV001461516.7), dbSNP rs2109162943, ClinGen allele CA2573136885.
Genomic context (GRCh38, chr3:193,657,073, plus strand): 5'-TATTTTTCATGTTAACCATTGAAGTATGTAGTAATAATATGGCTTTTTTTCTTTCAAATA[A>G]TTATAGGTTGCTTGGGAGACCCTACAAGAAGAATTTTCCCGCTTTATGACAGAACCGAAA-3'

ClinVar aggregate classification (germline): Uncertain significance. Review status: criteria provided, multiple submitters, no conflicts (2 of 4 stars). 2 submissions from 2 submitters: Uncertain significance (2). Last evaluated 2022-10-29.

Submissions (2):

Labcorp Genetics (formerly Invitae), Labcorp
Classification: Uncertain significance. Last evaluated: 2022-10-29. Review status: criteria provided, single submitter. Criteria: Invitae Variant Classification Sherloc (09022015). Collection method: clinical testing. Allele origin: germline.
Comment: In summary, the available evidence is currently insufficient to determine the role of this variant in disease. Therefore, it has been classified as a Variant of Uncertain Significance. Algorithms developed to predict the effect of sequence changes on RNA splicing suggest that this variant may disrupt the consensus splice site. ClinVar contains an entry for this variant (Variation ID: 1461516). This variant has been observed in individual(s) with autosomal dominant optic atrophy (Invitae). It has also been observed to segregate with disease in related individuals. This variant is not present in population databases (gnomAD no frequency). This sequence change falls in intron 20 of the OPA1 gene. It does not directly change the encoded amino acid sequence of the OPA1 protein.

Athena Diagnostics
Classification: Uncertain significance. Last evaluated: 2021-07-07. Review status: criteria provided, single submitter. Criteria: Athena Diagnostics Criteria. Collection method: clinical testing. Allele origin: unknown.